The following is an entry in ClinVar:

GRCh38/hg38 3p26.3(chr3:137074-190872)x1

Variant type: copy number loss.
Change: copy number 1 (one copy instead of two) of chr3:137,074-190,872 (53.8 kb, GRCh38 coordinates, 1-based), cytogenetic band 3p26.3.
Identifiers: ClinVar variation 57389 (VCV000057389.1).

ClinVar aggregate classification (germline): Benign (1 of 4 stars; one submission).

Submission:

ISCA site 4
Classification: Benign. Last evaluated: 2011-08-12. Review status: criteria provided, single submitter. Criteria: Kaminsky et al. (Genet Med. 2011). Collection method: clinical testing. Allele origin: unknown. Affected: yes. Observed: 1 variant allele.
Comment: Copy number variation identified through the course of routine clinical cytogenomic testing in postnatal populations. Clinical assertions have been curated as described in Kaminsky et al. 2011.